The following is an entry in ClinVar:

ClinVar aggregate classification (germline): Uncertain significance. Review status: criteria provided, multiple submitters, no conflicts (2 of 4 stars). 2 submissions from 2 submitters: Uncertain significance (2). Last evaluated 2025-11-24.

Conditions:
Hereditary cancer-predisposing syndrome. Also called: Hereditary neoplastic syndrome; Tumor predisposition; Neoplastic Syndromes, Hereditary; Hereditary Cancer Syndrome. Identifiers: Orphanet 140162, MedGen C0027672, MeSH D009386, MONDO:0015356.
Tuberous sclerosis 1 (TSC1). Identifiers: Orphanet 805, MedGen C1854465, MONDO:0008612, OMIM 191100.

Submissions (2):

Ambry Genetics
Classification: Uncertain significance for Hereditary cancer-predisposing syndrome. Last evaluated: 2025-11-24. Review status: criteria provided, single submitter. Criteria: Ambry Variant Classification Scheme 2023. Collection method: clinical testing. Allele origin: germline.
Comment: The p.K542E variant (also known as c.1624A>G), located in coding exon 13 of the TSC1 gene, results from an A to G substitution at nucleotide position 1624. The lysine at codon 542 is replaced by glutamic acid, an amino acid with similar properties. This amino acid position is conserved. In addition, the in silico prediction for this alteration is inconclusive. Based on the available evidence, the clinical significance of this variant remains unclear.

Labcorp Genetics (formerly Invitae), Labcorp
Classification: Uncertain significance for Tuberous sclerosis 1. Last evaluated: 2024-06-10. Review status: criteria provided, single submitter. Criteria: Invitae Variant Classification Sherloc (09022015). Collection method: clinical testing. Allele origin: germline.
Comment: This sequence change replaces lysine, which is basic and polar, with glutamic acid, which is acidic and polar, at codon 542 of the TSC1 protein (p.Lys542Glu). This variant is not present in population databases (gnomAD no frequency). This variant has not been reported in the literature in individuals affected with TSC1-related conditions. ClinVar contains an entry for this variant (Variation ID: 955222). Advanced modeling of protein sequence and biophysical properties (such as structural, functional, and spatial information, amino acid conservation, physicochemical variation, residue mobility, and thermodynamic stability) performed at Invitae indicates that this missense variant is not expected to disrupt TSC1 protein function with a negative predictive value of 95%. In summary, the available evidence is currently insufficient to determine the role of this variant in disease. Therefore, it has been classified as a Variant of Uncertain Significance.

NM_000368.5(TSC1):c.1624A>G (p.Lys542Glu)

Gene: TSC1 (TSC complex subunit 1; minus strand). Cytogenetic location: 9q34.13.
Variant type: single nucleotide variant.
Coding change: c.1624A>G on transcript NM_000368.5 (MANE Select); coding-DNA position 1624, A replaced by G.
Protein change: p.Lys542Glu; replaces lysine 542 with glutamic acid.
Molecular consequence: missense variant.
Genome position (GRCh38, 1-based): chr9:132,905,954, T>C on the plus strand (A>G on the coding strand, the complement: TSC1 is on the minus strand). VCF-style: chr9-132905954-T-C. GRCh37 (hg19) VCF-style: chr9-135781341-T-C.
Other names: c.1621A>G, p.Lys541Glu (NM_001162426.2); c.1471A>G, p.Lys491Glu (NM_001162427.2); c.1261A>G, p.Lys421Glu (NM_001362177.2); short protein forms K541E, K542E, K421E, K491E.
Identifiers: ClinVar variation 955222 (VCV000955222.12), dbSNP rs1845641716, ClinGen allele CA375364634.
Genomic context (GRCh38, chr9:132,905,954, plus strand): 5'-CACTGCCGCAGGGCAGGTCTATGGGAGTAAAGGCTTGCTTTGGTGTGTCAGGCCCAAGCT[T>C]GTCCAGGGAGGAGTGTAAAGGCTCAGGGTTCACGCTGGCGCCCTGAGAACTGGAGGCTGC-3'
Protein context (NP_000359.1, residues 532-552): NPEPLHSSLD[Lys542Glu]LGPDTPKQAF